The following is an entry in ClinVar:

ClinVar aggregate classification (germline): Uncertain significance (1 of 4 stars; one submission).

Conditions:
Cardiovascular phenotype. Identifiers: MedGen CN230736.

Submission:

Ambry Genetics
Classification: Uncertain significance for Cardiovascular phenotype. Last evaluated: 2022-08-20. Review status: criteria provided, single submitter. Criteria: Ambry Variant Classification Scheme 2023. Collection method: clinical testing. Allele origin: germline.
Comment: The p.M43I variant (also known as c.129G>C), located in coding exon 2 of the MYOZ2 gene, results from a G to C substitution at nucleotide position 129. The methionine at codon 43 is replaced by isoleucine, an amino acid with highly similar properties. This amino acid position is conserved. In addition, this alteration is predicted to be deleterious by in silico analysis. Since supporting evidence is limited at this time, the clinical significance of this alteration remains unclear.

NM_016599.5(MYOZ2):c.129G>C (p.Met43Ile)

Gene: MYOZ2 (myozenin 2; plus strand). Cytogenetic location: 4q26.
Variant type: single nucleotide variant.
Coding change: c.129G>C on transcript NM_016599.5 (MANE Select); coding-DNA position 129, G replaced by C.
Protein change: p.Met43Ile; replaces methionine 43 with isoleucine.
Molecular consequence: missense variant.
Genome position (GRCh38, 1-based): chr4:119,150,924, G>C. VCF-style: chr4-119150924-G-C. GRCh37 (hg19) VCF-style: chr4-120072079-G-C.
Other names: short protein forms M43I.
Identifiers: ClinVar variation 1769326 (VCV001769326.2), dbSNP rs2476784135, ClinGen allele CA358203499.